The following is an entry in ClinVar:

NM_182641.4(BPTF):c.4292T>C (p.Val1431Ala)

Gene: BPTF (bromodomain PHD finger transcription factor; plus strand). Cytogenetic location: 17q24.2.
Variant type: single nucleotide variant.
Coding change: c.4292T>C on transcript NM_182641.4 (MANE Select); coding-DNA position 4292, T replaced by C.
Protein change: p.Val1431Ala; replaces valine 1431 with alanine.
Molecular consequence: missense variant.
Genome position (GRCh38, 1-based): chr17:67,912,176, T>C. VCF-style: chr17-67912176-T-C. GRCh37 (hg19) VCF-style: chr17-65908292-T-C.
Other names: c.4670T>C, p.Val1557Ala (NM_004459.7); short protein forms V1431A, V1557A.
Identifiers: ClinVar variation 717515 (VCV000717515.32), dbSNP rs142307832, ClinGen allele CA8725773.

ClinVar aggregate classification (germline): Benign/Likely benign. Review status: criteria provided, multiple submitters, no conflicts (2 of 4 stars). 2 submissions from 2 submitters: Benign (1); Likely benign (1). Last evaluated 2025-10-01.

Allele frequency attached by ClinVar (database versions not stated): ExAC 0.00072; 1000 Genomes Project 0.00160; 1000 Genomes Project 30x 0.00187; gnomAD 0.00218 and 0.00240; TOPMed 0.00240; ESP Exome Variant Server 0.00272.
gnomAD v4.1: 653 of 1,610,260 alleles (0.041%); highest among the groups gnomAD compares: African/African-American, 0.8%; 5 homozygotes.

Submissions (2):

Labcorp Genetics (formerly Invitae), Labcorp
Classification: Likely benign. Last evaluated: 2025-10-01. Review status: criteria provided, single submitter. Criteria: Invitae Variant Classification Sherloc (09022015). Collection method: clinical testing. Allele origin: germline.

CeGaT Center for Human Genetics Tuebingen
Classification: Benign. Last evaluated: 2022-06-01. Review status: criteria provided, single submitter. Criteria: CeGaT Center For Human Genetics Tuebingen Variant Classification Criteria Version 2. Collection method: clinical testing. Allele origin: germline. Affected: yes. Observed: 1 variant allele.
Comment: BPTF: BS1, BS2